The following is an entry in ClinVar:

ClinVar aggregate classification (germline): Uncertain significance (1 of 4 stars; one submission).

Conditions:
Intellectual developmental disorder with hypotonia, impaired speech, and dysmorphic facies (IDDHISD). Identifiers: MedGen C5561997, MONDO:0859197, OMIM 619556.

Submission:

Dasa
Classification: Uncertain significance for Intellectual developmental disorder with hypotonia, impaired speech, and dysmorphic facies. Last evaluated: 2026-01-22. Review status: criteria provided, single submitter. Criteria: DASA Assertion Criteria. Collection method: clinical testing. Allele origin: germline.
Comment: NM_001382241.1(TNPO2):c.815T>C (p.Leu272Pro) is a missense variant that results in the substitution of leucine with proline. This variant is absent from population databases. Computational prediction algorithms are consistent with a deleterious effect. The currently available literature and clinical evidence are not sufficient to establish a definitive association between this variant and the reported condition. Therefore, this variant is classified as a variant of uncertain significance.

NM_001382241.1(TNPO2):c.815T>C (p.Leu272Pro)

Gene: TNPO2 (transportin 2; minus strand). Cytogenetic location: 19p13.13.
Variant type: single nucleotide variant.
Coding change: c.815T>C on transcript NM_001382241.1 (MANE Select); coding-DNA position 815, T replaced by C.
Protein change: p.Leu272Pro; replaces leucine 272 with proline.
Molecular consequence: missense variant. On other transcripts: non-coding transcript variant (6).
Genome position (GRCh38, 1-based): chr19:12,714,896, A>G on the plus strand (T>C on the coding strand, the complement: TNPO2 is on the minus strand). VCF-style: chr19-12714896-A-G. GRCh37 (hg19) VCF-style: chr19-12825710-A-G.
Other names: c.815T>C, p.Leu272Pro (NM_001382237.1, NM_001382238.1, NM_001382239.1 and 7 more transcripts); short protein forms L272P.
Identifiers: ClinVar variation 4883572 (VCV004883572.2).